The following is an entry in ClinVar:

ClinVar aggregate classification (germline): Uncertain significance (1 of 4 stars; one submission).

Conditions:
CHARGE syndrome (CHARGE). Also called: Coloboma, heart anomaly, choanal atresia, retardation, genital and ear anomalies; CHARGE association; Hall-Hittner syndrome; Hittner Hirsch Kreh syndrome; CHARGE ASSOCIATION--COLOBOMA, HEART ANOMALY, CHOANAL ATRESIA, RETARDATION, GENITAL AND EAR ANOMALIES. Identifiers: Orphanet 138, MedGen C0265354, MONDO:0008965.

Submission:

Labcorp Genetics (formerly Invitae), Labcorp
Classification: Uncertain significance for CHARGE syndrome. Last evaluated: 2022-02-10. Review status: criteria provided, single submitter. Criteria: Invitae Variant Classification Sherloc (09022015). Collection method: clinical testing. Allele origin: germline.
Comment: This variant has not been reported in the literature in individuals affected with CHD7-related conditions. Advanced modeling of protein sequence and biophysical properties (such as structural, functional, and spatial information, amino acid conservation, physicochemical variation, residue mobility, and thermodynamic stability) performed at Invitae indicates that this missense variant is expected to disrupt CHD7 protein function. In summary, the available evidence is currently insufficient to determine the role of this variant in disease. Therefore, it has been classified as a Variant of Uncertain Significance. This variant is not present in population databases (gnomAD no frequency). This sequence change replaces tryptophan, which is neutral and slightly polar, with cysteine, which is neutral and slightly polar, at codon 2332 of the CHD7 protein (p.Trp2332Cys).

NM_017780.4(CHD7):c.6996G>T (p.Trp2332Cys)

Gene: CHD7 (chromodomain helicase DNA binding protein 7; plus strand). Cytogenetic location: 8q12.2.
Variant type: single nucleotide variant.
Coding change: c.6996G>T on transcript NM_017780.4 (MANE Select); coding-DNA position 6996, G replaced by T.
Protein change: p.Trp2332Cys; replaces tryptophan 2332 with cysteine.
Molecular consequence: missense variant. On other transcripts: intron variant (1).
Genome position (GRCh38, 1-based): chr8:60,856,034, G>T. VCF-style: chr8-60856034-G-T. GRCh37 (hg19) VCF-style: chr8-61768593-G-T.
Other names: c.1717-6195G>T (NM_001316690.1); short protein forms W2332C.
Identifiers: ClinVar variation 1425008 (VCV001425008.8), dbSNP rs2129642460, ClinGen allele CA371298175.